The following is an entry in ClinVar:

ClinVar aggregate classification (germline): Likely benign (0 of 4 stars; one submission).

Conditions:
NEFH-related disorder. Also called: NEFH-related condition.

Allele frequency attached by ClinVar (database versions not stated): gnomAD exomes below 0.00001; 1000 Genomes Project 30x 0.00016.
gnomAD v4.1: 2 of 1,613,286 alleles (0.00012%); highest among the groups gnomAD compares: African/African-American, 0.0013%; no homozygotes.

Submission:

PreventionGenetics, part of Exact Sciences
Classification: Likely benign for NEFH-related condition. Last evaluated: 2022-04-22. Review status: no assertion criteria provided. Collection method: clinical testing. Allele origin: germline.
Comment: This variant is classified as likely benign based on ACMG/AMP sequence variant interpretation guidelines (Richards et al. 2015 PMID: 25741868, with internal and published modifications).

NM_021076.4(NEFH):c.1083+7A>G

Gene: NEFH (neurofilament heavy chain; plus strand). Cytogenetic location: 22q12.2.
Variant type: single nucleotide variant.
Coding change: c.1083+7A>G on transcript NM_021076.4 (MANE Select); 7 bases into the intron after coding-DNA position 1083, A replaced by G.
Molecular consequence: intron variant.
Genome position (GRCh38, 1-based): chr22:29,483,581, A>G. VCF-style: chr22-29483581-A-G. GRCh37 (hg19) VCF-style: chr22-29879570-A-G.
Identifiers: ClinVar variation 3051945 (VCV003051945.2), dbSNP rs2063025738, ClinGen allele CA2589749804.